The following is an entry in ClinVar:

NM_000090.4(COL3A1):c.1094C>G (p.Pro365Arg)

Gene: COL3A1 (collagen type III alpha 1 chain; plus strand). Cytogenetic location: 2q32.2.
Variant type: single nucleotide variant.
Coding change: c.1094C>G on transcript NM_000090.4 (MANE Select); coding-DNA position 1094, C replaced by G.
Protein change: p.Pro365Arg; replaces proline 365 with arginine.
Molecular consequence: missense variant.
Genome position (GRCh38, 1-based): chr2:188,993,404, C>G. VCF-style: chr2-188993404-C-G. GRCh37 (hg19) VCF-style: chr2-189858130-C-G.
Other names: short protein forms P365R.
Identifiers: ClinVar variation 628694 (VCV000628694.12), dbSNP rs1464219199, ClinGen allele CA349850906.

ClinVar aggregate classification (germline): Uncertain significance. Review status: criteria provided, multiple submitters, no conflicts (2 of 4 stars). 2 submissions from 2 submitters: Uncertain significance (2). Last evaluated 2023-12-05.

Conditions:
Familial thoracic aortic aneurysm and aortic dissection (TAAD). Also called: Thoracic aortic aneurysms and dissections. Identifiers: Orphanet 91387, MedGen C4707243, MONDO:0019625.
Ehlers-Danlos syndrome, type 4 (EDSVASC). Also called: Ehlers-Danlos syndrome vascular type; Ehlers Danlos syndrome, ecchymotic type; Ehlers Danlos syndrome, arterial type; Ehlers Danlos syndrome, Sack-Barabas type; Ehlers-Danlos Syndrome Type IV. Identifiers: Orphanet 286, MedGen C0268338, MONDO:0017314, OMIM 130050.

Submissions (2):

Color Diagnostics, LLC DBA Color Health
Classification: Uncertain significance for Familial thoracic aortic aneurysm and aortic dissection. Last evaluated: 2023-12-05. Review status: criteria provided, single submitter. Criteria: ACMG Guidelines, 2015. Collection method: clinical testing. Allele origin: germline.
Comment: This missense variant replaces proline with arginine at codon 365 of the COL3A1 protein. Computational prediction tools and conservation analyses suggest that this variant may have deleterious impact on the protein function. Computational splicing tools suggest that this variant may not impact RNA splicing. To our knowledge, functional assays have not been performed for this variant nor has this variant been reported in individuals affected with cardiovascular disorders in the literature. This variant has not been identified in the general population by the Genome Aggregation Database (gnomAD). Available evidence is insufficient to determine the role of this variant in disease conclusively. Therefore, this variant is classified as a Variant of Uncertain Significance.

Labcorp Genetics (formerly Invitae), Labcorp
Classification: Uncertain significance for Ehlers-Danlos syndrome, type 4. Last evaluated: 2023-06-20. Review status: criteria provided, single submitter. Criteria: Invitae Variant Classification Sherloc (09022015). Collection method: clinical testing. Allele origin: germline.
Comment: In summary, the available evidence is currently insufficient to determine the role of this variant in disease. Therefore, it has been classified as a Variant of Uncertain Significance. Advanced modeling of protein sequence and biophysical properties (such as structural, functional, and spatial information, amino acid conservation, physicochemical variation, residue mobility, and thermodynamic stability) performed at Invitae indicates that this missense variant is not expected to disrupt COL3A1 protein function. ClinVar contains an entry for this variant (Variation ID: 628694). This variant has not been reported in the literature in individuals affected with COL3A1-related conditions. This variant is not present in population databases (gnomAD no frequency). This sequence change replaces proline, which is neutral and non-polar, with arginine, which is basic and polar, at codon 365 of the COL3A1 protein (p.Pro365Arg).